The following is an entry in ClinVar:

ClinVar aggregate classification (germline): Benign/Likely benign. Review status: criteria provided, multiple submitters, no conflicts (2 of 4 stars). 8 submissions from 6 submitters: Benign (3); Likely benign (5). Last evaluated 2026-01-09.

Conditions:
Hereditary spherocytosis type 3. Also called: Spherocytosis type 3; SPTA1-Related Spherocytosis. Identifiers: Orphanet 822, MedGen C2678338, MONDO:0010053, OMIM 270970.
Pyropoikilocytosis, hereditary. Also called: Pyropoikilocytosis. Identifiers: MedGen C0520739, MONDO:0009948, OMIM 266140, HP:0004839. Disease mechanism: loss of function.
Elliptocytosis 2 (EL2). Also called: ELLIPTOCYTOSIS, RHESUS-UNLINKED TYPE. Identifiers: Orphanet 288, MedGen C1851741, MONDO:0007533, OMIM 130600.

Allele frequency attached by ClinVar (database versions not stated): gnomAD exomes 0.00085 and 0.00207; ExAC 0.00254; gnomAD 0.00871 and 0.00939; ESP Exome Variant Server 0.00923; TOPMed 0.00969; 1000 Genomes Project 0.00998; 1000 Genomes Project 30x 0.01062.
gnomAD v4.1: 2,639 of 1,613,230 alleles (0.16%); highest among the groups gnomAD compares: African/African-American, 3.1%; 37 homozygotes.

Submissions (8):

Labcorp Genetics (formerly Invitae), Labcorp
Classification: Benign. Last evaluated: 2026-01-09. Review status: criteria provided, single submitter. Criteria: Invitae Variant Classification Sherloc (09022015). Collection method: clinical testing. Allele origin: germline.

ARUP Laboratories, Molecular Genetics and Genomics, ARUP Laboratories
Classification: Benign. Last evaluated: 2025-07-24. Review status: criteria provided, single submitter. Criteria: ARUP Molecular Germline Variant Investigation Process 2024. Collection method: clinical testing. Allele origin: germline.

Mayo Clinic Laboratories, Mayo Clinic
Classification: Likely benign. Last evaluated: 2025-02-19. Review status: criteria provided, single submitter. Criteria: ACMG Guidelines, 2015. Collection method: clinical testing. Allele origin: germline. Observed: 16 variant alleles.

Illumina Laboratory Services, Illumina
Classification: Benign for Elliptocytosis 2. Last evaluated: 2018-01-12. Review status: criteria provided, single submitter. Criteria: ICSL Variant Classification Criteria 13 December 2019. Collection method: clinical testing. Allele origin: germline.
Comment: This variant was observed in the ICSL laboratory as part of a predisposition screen in an ostensibly healthy population. It had not been previously curated by ICSL or reported in the Human Gene Mutation Database (HGMD: prior to June 1st, 2018), and was therefore a candidate for classification through an automated scoring system. Utilizing variant allele frequency, disease prevalence and penetrance estimates, and inheritance mode, an automated score was calculated to assess if this variant is too frequent to cause the disease. Based on the score and internal cut-off values, a variant classified as benign is not then subjected to further curation. The score for this variant resulted in a classification of benign for this disease.

Illumina Laboratory Services, Illumina
Classification: Likely benign for Pyropoikilocytosis, hereditary. Last evaluated: 2018-01-12. Review status: criteria provided, single submitter. Criteria: ICSL Variant Classification Criteria 13 December 2019. Collection method: clinical testing. Allele origin: germline.
Comment: This variant was observed in the ICSL laboratory as part of a predisposition screen in an ostensibly healthy population. It had not been previously curated by ICSL or reported in the Human Gene Mutation Database (HGMD: prior to June 1st, 2018), and was therefore a candidate for classification through an automated scoring system. Utilizing variant allele frequency, disease prevalence and penetrance estimates, and inheritance mode, an automated score was calculated to assess if this variant is too frequent to cause the disease. Based on the score and internal cut-off values, a variant classified as likely benign is not then subjected to further curation. The score for this variant resulted in a classification of likely benign for this disease.

Illumina Laboratory Services, Illumina
Classification: Likely benign for Hereditary spherocytosis type 3. Last evaluated: 2018-01-12. Review status: criteria provided, single submitter. Criteria: ICSL Variant Classification Criteria 13 December 2019. Collection method: clinical testing. Allele origin: germline.
Comment: the same text as in the submission from Illumina Laboratory Services, Illumina above.

Center for Pediatric Genomic Medicine, Children's Mercy Hospital and Clinics
Classification: Likely benign. Last evaluated: 2015-08-25. Review status: criteria provided, single submitter. Criteria: ACMG Guidelines, 2015. Collection method: clinical testing. Allele origin: germline.
ClinVar note: Converted during submission from Likely Benign to Likely benign.

Breakthrough Genomics
Classification: Likely benign. Review status: criteria provided, single submitter. Criteria: ACMG Guidelines, 2015. Collection method: not provided. Allele origin: germline. Inheritance: Autosomal recessive inheritance. Affected: yes.

NM_003126.4(SPTA1):c.6559A>G (p.Lys2187Glu)

Gene: SPTA1 (spectrin alpha, erythrocytic 1; minus strand). Cytogenetic location: 1q23.1.
Variant type: single nucleotide variant.
Coding change: c.6559A>G on transcript NM_003126.4 (MANE Select); coding-DNA position 6559, A replaced by G.
Protein change: p.Lys2187Glu; replaces lysine 2187 with glutamic acid.
Molecular consequence: missense variant.
Genome position (GRCh38, 1-based): chr1:158,617,578, T>C on the plus strand (A>G on the coding strand, the complement: SPTA1 is on the minus strand). VCF-style: chr1-158617578-T-C. GRCh37 (hg19) VCF-style: chr1-158587368-T-C.
Other names: p.Lys2187Glu; short protein forms K2187E.
Identifiers: ClinVar variation 235335 (VCV000235335.26), dbSNP rs111980420, ClinGen allele CA1181925.